The following is an entry in ClinVar:

NM_006651.4(CPLX1):c.97A>G (p.Lys33Glu)

Genes: CPLX1 (complexin 1; minus strand), CPLX1-AS1 (CPLX1 antisense RNA 1; plus strand). Cytogenetic location: 4p16.3.
Variant type: single nucleotide variant.
Coding change: c.97A>G on transcript NM_006651.4 (MANE Select); coding-DNA position 97, A replaced by G.
Protein change: p.Lys33Glu; replaces lysine 33 with glutamic acid.
Molecular consequence: missense variant.
Genome position (GRCh38, 1-based): chr4:792,543, T>C on the plus strand (A>G on the coding strand, the complement: CPLX1 is on the minus strand). VCF-style: chr4-792543-T-C. GRCh37 (hg19) VCF-style: chr4-786331-T-C.
Other names: short protein forms K33E.
Identifiers: ClinVar variation 2152203 (VCV002152203.2), dbSNP rs373896763, ClinGen allele CA2796994.

ClinVar aggregate classification (germline): Uncertain significance (1 of 4 stars; one submission).

Allele frequency attached by ClinVar (database versions not stated): ExAC 0.00004; gnomAD 0.00005; gnomAD exomes 0.00005; TOPMed 0.00006; ESP Exome Variant Server 0.00015.
gnomAD v4.1: 77 of 1,613,270 alleles (0.0048%); highest among the groups gnomAD compares: Middle Eastern, 0.016%; no homozygotes.

Submission:

Labcorp Genetics (formerly Invitae), Labcorp
Classification: Uncertain significance. Last evaluated: 2022-03-29. Review status: criteria provided, single submitter. Criteria: Invitae Variant Classification Sherloc (09022015). Collection method: clinical testing. Allele origin: germline.
Comment: Algorithms developed to predict the effect of missense changes on protein structure and function (SIFT, PolyPhen-2, Align-GVGD) all suggest that this variant is likely to be disruptive. This variant has not been reported in the literature in individuals affected with CPLX1-related conditions. This variant is present in population databases (rs373896763, gnomAD 0.008%). This sequence change replaces lysine, which is basic and polar, with glutamic acid, which is acidic and polar, at codon 33 of the CPLX1 protein (p.Lys33Glu). In summary, the available evidence is currently insufficient to determine the role of this variant in disease. Therefore, it has been classified as a Variant of Uncertain Significance.